The following is an entry in ClinVar:

ClinVar aggregate classification (germline): Uncertain significance. Review status: criteria provided, multiple submitters, no conflicts (2 of 4 stars). 2 submissions from 2 submitters: Uncertain significance (2). Last evaluated 2025-03-12.

Conditions:
Inborn genetic diseases. Identifiers: MedGen C0950123, MeSH D030342.
H syndrome. Also called: HISTIOCYTOSIS AND LYMPHADENOPATHY WITH OR WITHOUT CUTANEOUS, CARDIAC, AND/OR ENDOCRINE FEATURES, JOINT CONTRACTURES, AND/OR DEAFNESS; HYPERPIGMENTATION, CUTANEOUS, WITH HYPERTRICHOSIS, HEPATOSPLENOMEGALY, HEART ANOMALIES, AND HYPOGONADISM WITH OR WITHOUT HEARING LOSS; PIGMENTED HYPERTRICHOSIS WITH INSULIN-DEPENDENT DIABETES MELLITUS; ROSAI-DORFMAN DISEASE, FAMILIAL; SINUS HISTIOCYTOSIS AND MASSIVE LYMPHADENOPATHY; Hyperpigmentation, Cutaneous, with Hypertrichosis, Hepatosplenomegaly, Heart Anomalies, Hearing Loss, and Hypogonadism. Identifiers: Orphanet 168569, MedGen C1864445, MONDO:0011273, OMIM 602782.

Allele frequency attached by ClinVar (database versions not stated): gnomAD 0.00001; TOPMed 0.00005.
gnomAD v4.1: 6 of 1,614,040 alleles (0.00037%); highest among the groups gnomAD compares: African/African-American, 0.004%; no homozygotes.

Submissions (2):

Labcorp Genetics (formerly Invitae), Labcorp
Classification: Uncertain significance for H syndrome. Last evaluated: 2025-03-12. Review status: criteria provided, single submitter. Criteria: Invitae Variant Classification Sherloc (09022015). Collection method: clinical testing. Allele origin: germline.
Comment: This sequence change replaces leucine, which is neutral and non-polar, with isoleucine, which is neutral and non-polar, at codon 107 of the SLC29A3 protein (p.Leu107Ile). This variant is present in population databases (no rsID available, gnomAD 0.01%). This variant has not been reported in the literature in individuals affected with SLC29A3-related conditions. ClinVar contains an entry for this variant (Variation ID: 3164069). Invitae Evidence Modeling of protein sequence and biophysical properties (such as structural, functional, and spatial information, amino acid conservation, physicochemical variation, residue mobility, and thermodynamic stability) indicates that this missense variant is not expected to disrupt SLC29A3 protein function with a negative predictive value of 95%. In summary, the available evidence is currently insufficient to determine the role of this variant in disease. Therefore, it has been classified as a Variant of Uncertain Significance.

Ambry Genetics
Classification: Uncertain significance for Inborn genetic diseases. Last evaluated: 2023-12-18. Review status: criteria provided, single submitter. Criteria: Ambry Variant Classification Scheme 2023. Collection method: clinical testing. Allele origin: germline.

NM_018344.6(SLC29A3):c.319C>A (p.Leu107Ile)

Genes: SLC29A3 (solute carrier family 29 member 3; plus strand), LOC105378353 (uncharacterized LOC105378353; minus strand). Cytogenetic location: 10q22.1.
Variant type: single nucleotide variant.
Coding change: c.319C>A on transcript NM_018344.6 (MANE Select); coding-DNA position 319, C replaced by A.
Protein change: p.Leu107Ile; replaces leucine 107 with isoleucine.
Molecular consequence: missense variant.
Genome position (GRCh38, 1-based): chr10:71,344,227, C>A. VCF-style: chr10-71344227-C-A. GRCh37 (hg19) VCF-style: chr10-73103984-C-A.
Other names: c.319C>A, p.Leu107Ile (NM_001174098.2); c.85C>A, p.Leu29Ile (NM_001363518.2); short protein forms L107I, L29I.
Identifiers: ClinVar variation 3164069 (VCV003164069.2), dbSNP rs1046929974, ClinGen allele CA377129560.
Genomic context (GRCh38, chr10:71,344,227, plus strand): 5'-TCCCTGAGTGACCGCAGCACCTCCTCACTTGTGTGCTTGCAGAACTACTTTGAGAGCTAC[C>A]TTGCCGTTGCCTCCACCGTGCCCTCCATGCTGTGCCTGGTGGCCAACTTCCTGCTTGTCA-3'
Protein context (NP_060814.4, residues 97-117): SDILNYFESY[Leu107Ile]AVASTVPSML